The following is an entry in ClinVar:

NM_198578.4(LRRK2):c.6281-18T>A

Gene: LRRK2 (leucine rich repeat kinase 2; plus strand). Cytogenetic location: 12q12.
Variant type: single nucleotide variant.
Coding change: c.6281-18T>A on transcript NM_198578.4 (MANE Select); 18 bases into the intron before coding-DNA position 6281, T replaced by A.
Molecular consequence: intron variant.
Genome position (GRCh38, 1-based): chr12:40,348,391, T>A. VCF-style: chr12-40348391-T-A. GRCh37 (hg19) VCF-style: chr12-40742193-T-A.
Identifiers: ClinVar variation 2701709 (VCV002701709.3), dbSNP rs1425401647, ClinGen allele CA604504959.

ClinVar aggregate classification (germline): Uncertain significance (1 of 4 stars; one submission).

Conditions:
Autosomal dominant Parkinson disease 8. Also called: LRRK2-Related Parkinson Disease; Parkinson disease 8; Parkinson disease 8, susceptibility to. Identifiers: Orphanet 411602, MedGen C1846862, MONDO:0011764, OMIM 607060.

Allele frequency attached by ClinVar (database versions not stated): gnomAD exomes below 0.00001; TOPMed 0.00002; gnomAD 0.00003.
gnomAD v4.1: 10 of 1,505,286 alleles (0.00066%); highest among the groups gnomAD compares: African/African-American, 0.0055%; no homozygotes.

Submission:

Labcorp Genetics (formerly Invitae), Labcorp
Classification: Uncertain significance for Autosomal dominant Parkinson disease 8. Last evaluated: 2022-12-21. Review status: criteria provided, single submitter. Criteria: Invitae Variant Classification Sherloc (09022015). Collection method: clinical testing. Allele origin: germline.
Comment: This sequence change falls in intron 42 of the LRRK2 gene. It does not directly change the encoded amino acid sequence of the LRRK2 protein. The frequency data for this variant in the population databases is considered unreliable, as metrics indicate poor data quality at this position in the gnomAD database. This variant has not been reported in the literature in individuals affected with LRRK2-related conditions. Algorithms developed to predict the effect of sequence changes on RNA splicing suggest that this variant may disrupt the consensus splice site. In summary, the available evidence is currently insufficient to determine the role of this variant in disease. Therefore, it has been classified as a Variant of Uncertain Significance.